The following is an entry in ClinVar:

NM_017934.7(PHIP):c.764G>A (p.Arg255Gln)

Gene: PHIP (PHIP subunit of CUL4-Ring ligase complex; minus strand). Cytogenetic location: 6q14.1.
Variant type: single nucleotide variant.
Coding change: c.764G>A on transcript NM_017934.7 (MANE Select); coding-DNA position 764, G replaced by A.
Protein change: p.Arg255Gln; replaces arginine 255 with glutamine.
Molecular consequence: missense variant.
Genome position (GRCh38, 1-based): chr6:79,026,001, C>T on the plus strand (G>A on the coding strand, the complement: PHIP is on the minus strand). VCF-style: chr6-79026001-C-T. GRCh37 (hg19) VCF-style: chr6-79735718-C-T.
Other names: short protein forms R255Q.
Identifiers: ClinVar variation 2915418 (VCV002915418.3), dbSNP rs2482189015, ClinGen allele CA364639715.
Genomic context (GRCh38, chr6:79,026,001, plus strand): 5'-ACCTGTAGTGATGTAATAGATGCACTATGGCCCTGAAGAACAGCCAAAGGTGCACAGGTT[C>T]GAAGACACCAGACTCGGATCATTTTATCACAACTTCCAGCTGCTATCATGGTATTCTCAT-3'
Protein context (NP_060404.4, residues 245-265): CDKMIRVWCL[Arg255Gln]TCAPLAVLQG

ClinVar aggregate classification (germline): Uncertain significance (1 of 4 stars; one submission).

gnomAD v4.1: 2 of 1,614,022 alleles (0.00012%); no homozygotes.

Submission:

Labcorp Genetics (formerly Invitae), Labcorp
Classification: Uncertain significance. Last evaluated: 2023-02-20. Review status: criteria provided, single submitter. Criteria: Invitae Variant Classification Sherloc (09022015). Collection method: clinical testing. Allele origin: germline.
Comment: This variant is not present in population databases (gnomAD no frequency). In summary, the available evidence is currently insufficient to determine the role of this variant in disease. Therefore, it has been classified as a Variant of Uncertain Significance. Advanced modeling of protein sequence and biophysical properties (such as structural, functional, and spatial information, amino acid conservation, physicochemical variation, residue mobility, and thermodynamic stability) performed at Invitae indicates that this missense variant is not expected to disrupt PHIP protein function. This variant has not been reported in the literature in individuals affected with PHIP-related conditions. This sequence change replaces arginine, which is basic and polar, with glutamine, which is neutral and polar, at codon 255 of the PHIP protein (p.Arg255Gln).